The following is an entry in ClinVar:

ClinVar aggregate classification (germline): Pathogenic (1 of 4 stars; one submission).

Conditions:
Ataxia-telangiectasia syndrome (AT). Also called: Cerebello-oculocutaneous telangiectasia; Immunodeficiency with ataxia telangiectasia; Ataxia-telangiectasia; AT, COMPLEMENTATION GROUP C; Ataxia telangiectasia (A-T); LOUIS-BAR SYNDROME. Identifiers: Orphanet 100, MedGen C0004135, MONDO:0008840, OMIM 208900.

Submission:

Labcorp Genetics (formerly Invitae), Labcorp
Classification: Pathogenic for Ataxia-telangiectasia syndrome. Last evaluated: 2021-12-17. Review status: criteria provided, single submitter. Criteria: Invitae Variant Classification Sherloc (09022015). Collection method: clinical testing. Allele origin: germline.
Comment: For these reasons, this variant has been classified as Pathogenic. This variant has not been reported in the literature in individuals affected with ATM-related conditions. This variant is a gross deletion of the genomic region encompassing exon(s) 1-3 of the ATM gene, which includes the initiator codon. This deletion extends beyond the assayed region for this gene and therefore may encompass additional genes. It is expected to result in an absent or disrupted protein product. Loss-of-function variants in ATM are known to be pathogenic (PMID: 23807571, 25614872).

Literature cited by the submitters: PubMed 23807571; PubMed 25614872.

NC_000011.9:g.(?_108093770)_(108098625_?)del

Gene: ATM (ATM serine/threonine kinase; plus strand). Cytogenetic location: 11q22.3.
Variant type: Deletion.
Identifiers: ClinVar variation 2422212 (VCV002422212.3).